The following is an entry in ClinVar:

ClinVar aggregate classification (germline): Likely benign (1 of 4 stars; one submission).

Conditions:
Pontoneocerebellar hypoplasia. Also called: Pontocerebellar hypoplasia; Non-syndromic pontocerebellar hypoplasia. Identifiers: Orphanet 98523, MedGen C1261175, MONDO:0020135.

Allele frequency attached by ClinVar (database versions not stated): 1000 Genomes Project 0.00998; 1000 Genomes Project 30x 0.01046; TOPMed 0.01066.

Submission:

Illumina Laboratory Services, Illumina
Classification: Likely benign for Pontoneocerebellar hypoplasia. Last evaluated: 2017-04-27. Review status: criteria provided, single submitter. Criteria: ICSL Variant Classification Criteria 13 December 2019. Collection method: clinical testing. Allele origin: germline.
Comment: This variant was observed as part of a predisposition screen in an ostensibly healthy population. A literature search was performed for the gene, cDNA change, and amino acid change (where applicable). No publications were found based on this search. Allele frequency data from public databases allowed determination this variant is unlikely to cause disease. Therefore, this variant is classified as likely benign.

NM_025265.4(TSEN2):c.-374G>A

Genes: TSEN2 (tRNA splicing endonuclease subunit 2; plus strand), LOC129936171 (ATAC-STARR-seq lymphoblastoid active region 19441; plus strand). Cytogenetic location: 3p25.2.
Variant type: single nucleotide variant.
Coding change: c.-374G>A on transcript NM_025265.4 (MANE Select); 374 bases upstream of the start codon, G replaced by A.
Molecular consequence: 5 prime UTR variant. On other transcripts: intron variant (4).
Genome position (GRCh38, 1-based): chr3:12,484,524, G>A. VCF-style: chr3-12484524-G-A. GRCh37 (hg19) VCF-style: chr3-12526023-G-A.
Other names: c.-122G>A (NM_001145392.2); c.-374G>A (NM_001321279.2); c.-18+7G>A (NM_001321278.2, NM_001321277.2, NM_001145393.3 and 1 more transcripts).
Identifiers: ClinVar variation 343053 (VCV000343053.5), dbSNP rs28657473, ClinGen allele CA10617168.